The following is an entry in ClinVar:

NM_003743.5(NCOA1):c.3747A>G (p.Leu1249=)

Gene: NCOA1 (nuclear receptor coactivator 1; plus strand). Cytogenetic location: 2p23.3.
Variant type: single nucleotide variant.
Coding change: c.3747A>G on transcript NM_003743.5 (MANE Select); coding-DNA position 3747, A replaced by G.
Protein change: p.Leu1249=; no amino-acid change (leucine 1249 retained).
Molecular consequence: synonymous variant.
Genome position (GRCh38, 1-based): chr2:24,752,022, A>G. VCF-style: chr2-24752022-A-G. GRCh37 (hg19) VCF-style: chr2-24974891-A-G.
Other names: c.3747A>G, p.Leu1249= (NM_001362950.1, NM_001362952.1, NM_001362954.1 and 3 more transcripts).
Identifiers: ClinVar variation 4983479 (VCV004983479.1).

ClinVar aggregate classification (germline): Likely benign (1 of 4 stars; one submission).

Conditions:
NCOA1-related disorder. Also called: NCOA1-related condition.

Submission:

PreventionGenetics, part of Exact Sciences
Classification: Likely benign for NCOA1-related condition. Last evaluated: 2025-11-25. Review status: criteria provided, single submitter. Criteria: ACMG Guidelines, 2015. Collection method: clinical testing. Allele origin: germline.
Comment: This variant is classified as likely benign based on ACMG/AMP sequence variant interpretation guidelines (Richards et al. 2015 PMID: 25741868, with internal and published modifications).